The following is an entry in ClinVar:

ClinVar aggregate classification (germline): Benign/Likely benign. Review status: criteria provided, multiple submitters, no conflicts (2 of 4 stars). 5 submissions from 5 submitters: Benign (1); Likely benign (4). Last evaluated 2025-11-04.

Conditions:
Familial cancer of breast. Also called: Hereditary breast cancer; BREAST CANCER, FAMILIAL; hereditary breast carcinoma. Identifiers: Orphanet 227535, MedGen C0346153, MONDO:0016419, OMIM 114480. Disease mechanism: loss of function.
Hereditary cancer-predisposing syndrome. Also called: Hereditary Cancer Syndrome; Neoplastic Syndromes, Hereditary; Tumor predisposition; Hereditary neoplastic syndrome. Identifiers: Orphanet 140162, MedGen C0027672, MeSH D009386, MONDO:0015356.

Allele frequency attached by ClinVar (database versions not stated): gnomAD exomes 0.00001; ExAC 0.00002; TOPMed 0.00002.
gnomAD v4.1: 1 of 1,614,124 alleles (0.000062%); highest among the groups gnomAD compares: East Asian, 0.0022%; no homozygotes.

Submissions (5):

Labcorp Genetics (formerly Invitae), Labcorp
Classification: Likely benign for Familial cancer of breast. Last evaluated: 2025-11-04. Review status: criteria provided, single submitter. Criteria: Invitae Variant Classification Sherloc (09022015). Collection method: clinical testing. Allele origin: germline.

Quest Diagnostics Nichols Institute San Juan Capistrano
Classification: Likely benign. Last evaluated: 2025-08-06. Review status: criteria provided, single submitter. Criteria: Quest Diagnostics criteria. Collection method: clinical testing. Allele origin: unknown.

Myriad Genetics, Inc.
Classification: Benign for Familial cancer of breast. Last evaluated: 2024-07-24. Review status: criteria provided, single submitter. Criteria: Myriad Autosomal Dominant, Autosomal Recessive and X-Linked Classification Criteria (2023). Collection method: clinical testing. Allele origin: unknown.
Comment: This variant is considered benign. This variant is a silent/synonymous amino acid change and it is not expected to impact splicing.

Ambry Genetics
Classification: Likely benign for Hereditary cancer-predisposing syndrome. Last evaluated: 2018-07-20. Review status: criteria provided, single submitter. Criteria: Ambry Variant Classification Scheme 2023. Collection method: clinical testing. Allele origin: germline.

Color Diagnostics, LLC DBA Color Health
Classification: Likely benign for Hereditary cancer-predisposing syndrome. Last evaluated: 2017-01-23. Review status: criteria provided, single submitter. Criteria: ACMG Guidelines, 2015. Collection method: clinical testing. Allele origin: germline.

NM_000465.4(BARD1):c.1239A>T (p.Ala413=)

Gene: BARD1 (BRCA1 associated RING domain 1; minus strand). Cytogenetic location: 2q35.
Variant type: single nucleotide variant.
Coding change: c.1239A>T on transcript NM_000465.4 (MANE Select); coding-DNA position 1239, A replaced by T.
Protein change: p.Ala413=; no amino-acid change (alanine 413 retained).
Molecular consequence: synonymous variant. On other transcripts: non-coding transcript variant (2), intron variant (3).
Genome position (GRCh38, 1-based): chr2:214,780,635, T>A on the plus strand (A>T on the coding strand, the complement: BARD1 is on the minus strand). VCF-style: chr2-214780635-T-A. GRCh37 (hg19) VCF-style: chr2-215645359-T-A.
Other names: c.1182A>T, p.Ala394= (NM_001282543.2); c.159-28080A>T (NM_001282548.2); c.215+16426A>T (NM_001282545.2); c.364+11662A>T (NM_001282549.2).
Identifiers: ClinVar variation 490924 (VCV000490924.21), dbSNP rs765212498, ClinGen allele CA2090322.